The following is an entry in ClinVar:

ClinVar aggregate classification (germline): Conflicting classifications of pathogenicity. Review status: criteria provided, conflicting classifications (1 of 4 stars). 6 submissions from 6 submitters: Uncertain significance (4); Likely benign (2). Last evaluated 2026-04-14.

Conditions:
Cholestasis, progressive familial intrahepatic, 7, with or without hearing loss. Identifiers: MedGen C5562043, MONDO:0030503, OMIM 619658.
Inborn genetic diseases. Identifiers: MedGen C0950123, MeSH D030342.
USP53-related disorder. Also called: USP53-related condition.

Allele frequency attached by ClinVar (database versions not stated): gnomAD exomes 0.00016; ExAC 0.00054; 1000 Genomes Project 30x 0.00094; 1000 Genomes Project 0.00100; ESP Exome Variant Server 0.00175; gnomAD 0.00180; TOPMed 0.00203.
gnomAD v4.1: 535 of 1,613,776 alleles (0.033%); highest among the groups gnomAD compares: African/African-American, 0.61%; 1 homozygote.

Submissions (6):

PreventionGenetics, part of Exact Sciences
Classification: Likely benign for USP53-related condition. Last evaluated: 2026-04-14. Review status: criteria provided, single submitter. Criteria: ACMG Guidelines, 2015. Collection method: clinical testing. Allele origin: germline.
Comment: This variant is classified as likely benign based on ACMG/AMP sequence variant interpretation guidelines (Richards et al. 2015 PMID: 25741868, with internal and published modifications).

Labcorp Genetics (formerly Invitae), Labcorp
Classification: Likely benign. Last evaluated: 2025-12-18. Review status: criteria provided, single submitter. Criteria: Invitae Variant Classification Sherloc (09022015). Collection method: clinical testing. Allele origin: germline.

Genomic Medicine Center of Excellence, King Faisal Specialist Hospital and Research Centre
Classification: Uncertain significance for Cholestasis, progressive familial intrahepatic, 7, with or without hearing loss. Last evaluated: 2024-12-18. Review status: criteria provided, single submitter. Criteria: ACMG Guidelines, 2015. Collection method: clinical testing. Allele origin: germline.

Baylor Genetics
Classification: Uncertain significance for Cholestasis, progressive familial intrahepatic, 7, with or without hearing loss. Last evaluated: 2022-09-23. Review status: criteria provided, single submitter. Criteria: ACMG Guidelines, 2015. Collection method: clinical testing. Allele origin: unknown.

Ambry Genetics
Classification: Uncertain significance for Inborn genetic diseases. Last evaluated: 2021-07-06. Review status: criteria provided, single submitter. Criteria: Ambry Variant Classification Scheme 2023. Collection method: clinical testing. Allele origin: germline.

Victorian Clinical Genetics Services, Murdoch Childrens Research Institute
Classification: Uncertain significance for Cholestasis, progressive familial intrahepatic, 7, with or without hearing loss. Last evaluated: 2020-07-02. Review status: criteria provided, single submitter. Criteria: ACMG Guidelines, 2015. Collection method: clinical testing. Allele origin: germline. Inheritance: Autosomal recessive inheritance.
Comment: Based on the classification scheme VCGS_Germline_v1.3.3, this variant is classified as 3B-VUS. Following criteria are met: 0102 - Loss of function is a known mechanism of disease in this gene and is associated with with low-GGT intrahepatic cholestasis (PMID: 32124521). (I) 0106 - This gene is associated with autosomal recessive disease (PMID: 32124521). (I) 0200 - Variant is predicted to result in a missense amino acid change from aspartic acid to tyrosine (exon 15). (I) 0251 - This variant is heterozygous. (I) 0304 - Variant is present in gnomAD <0.01 for a recessive condition (273 heterozygotes, 0 homozygotes). (SP) 0502 - Missense variant with conflicting in silico predictions and uninformative conservation. (I) 0604 - Variant is not located in an established domain, motif, hotspot or informative constraint region. (I) 0705 - No comparable missense variants have previous evidence for pathogenicity. (I) 0807 - This variant has no previous evidence of pathogenicity. (I) 0905 - No published segregation evidence has been identified for this variant. (I) 1007 - No published functional evidence has been identified for this variant. (I) 1208 - Inheritance information for this variant is not currently available in this individual. (I) Legend: (SP) - Supporting pathogenic, (I) - Information, (SB) - Supporting benign

Literature cited by the submitters: PubMed 32124521 (cited by Victorian Clinical Genetics Services, Murdoch Childrens Research Institute).

NM_001371395.1(USP53):c.1702G>T (p.Asp568Tyr)

Gene: USP53 (ubiquitin specific peptidase 53; plus strand). Cytogenetic location: 4q26.
Variant type: single nucleotide variant.
Coding change: c.1702G>T on transcript NM_001371395.1 (MANE Select); coding-DNA position 1702, G replaced by T.
Protein change: p.Asp568Tyr; replaces aspartic acid 568 with tyrosine.
Molecular consequence: missense variant.
Genome position (GRCh38, 1-based): chr4:119,271,562, G>T. VCF-style: chr4-119271562-G-T. GRCh37 (hg19) VCF-style: chr4-120192717-G-T.
Other names: c.1549G>T, p.Asp517Tyr (NM_001371396.1, NM_001389661.1); c.1702G>T, p.Asp568Tyr (NM_001371397.1, NM_001371398.1, NM_001371399.1 and 3 more transcripts); c.1552G>T, p.Asp518Tyr (NM_001389660.1); c.1354G>T, p.Asp452Tyr (NM_001389662.1, NM_001389663.1, NM_001389664.1 and 1 more transcripts); c.1201G>T, p.Asp401Tyr (NM_001389665.1, NM_001389667.1); short protein forms D401Y, D452Y, D517Y, D518Y, D568Y.
Identifiers: ClinVar variation 1805525 (VCV001805525.10), dbSNP rs61730005, ClinGen allele CA3059210.